The following is an entry in ClinVar:

NM_002202.3(ISL1):c.28+8G>A

Gene: ISL1 (ISL LIM homeobox 1; plus strand). Cytogenetic location: 5q11.1.
Variant type: single nucleotide variant.
Coding change: c.28+8G>A on transcript NM_002202.3 (MANE Select); 8 bases into the intron after coding-DNA position 28, G replaced by A.
Molecular consequence: intron variant.
Genome position (GRCh38, 1-based): chr5:51,383,707, G>A. VCF-style: chr5-51383707-G-A. GRCh37 (hg19) VCF-style: chr5-50679541-G-A.
Identifiers: ClinVar variation 4981918 (VCV004981918.1).

ClinVar aggregate classification (germline): Likely benign (1 of 4 stars; one submission).

Conditions:
ISL1-related disorder. Also called: ISL1-related condition.

Submission:

PreventionGenetics, part of Exact Sciences
Classification: Likely benign for ISL1-related condition. Last evaluated: 2026-05-13. Review status: criteria provided, single submitter. Criteria: ACMG Guidelines, 2015. Collection method: clinical testing. Allele origin: germline.
Comment: This variant is classified as likely benign based on ACMG/AMP sequence variant interpretation guidelines (Richards et al. 2015 PMID: 25741868, with internal and published modifications).